The following is an entry in ClinVar:

ClinVar aggregate classification (germline): Conflicting classifications of pathogenicity. Review status: criteria provided, conflicting classifications (1 of 4 stars). 3 submissions from 3 submitters: Uncertain significance (2); Likely benign (1). Last evaluated 2024-07-10.

Conditions:
Familial cancer of breast. Also called: BREAST CANCER, FAMILIAL; hereditary breast carcinoma; Hereditary breast cancer. Identifiers: Orphanet 227535, MedGen C0346153, MONDO:0016419, OMIM 114480. Disease mechanism: loss of function.
Ataxia-telangiectasia syndrome (AT). Also called: Ataxia telangiectasia (A-T); Cerebello-oculocutaneous telangiectasia; Immunodeficiency with ataxia telangiectasia; Ataxia-telangiectasia, complementation group D; Ataxia-telangiectasia, complementation group E; LOUIS-BAR SYNDROME. Identifiers: Orphanet 100, MedGen C0004135, MONDO:0008840, OMIM 208900.

Submissions (3):

Labcorp Genetics (formerly Invitae), Labcorp
Classification: Uncertain significance for Ataxia-telangiectasia syndrome. Last evaluated: 2024-07-10. Review status: criteria provided, single submitter. Criteria: Invitae Variant Classification Sherloc (09022015). Collection method: clinical testing. Allele origin: germline.
Comment: This sequence change falls in intron 20 of the ATM gene. It does not directly change the encoded amino acid sequence of the ATM protein. This variant is not present in population databases (gnomAD no frequency). This variant has not been reported in the literature in individuals affected with ATM-related conditions. ClinVar contains an entry for this variant (Variation ID: 1987282). Algorithms developed to predict the effect of sequence changes on RNA splicing suggest that this variant may create or strengthen a splice site. In summary, the available evidence is currently insufficient to determine the role of this variant in disease. Therefore, it has been classified as a Variant of Uncertain Significance.

Myriad Genetics, Inc.
Classification: Likely benign for Familial cancer of breast. Last evaluated: 2024-05-13. Review status: criteria provided, single submitter. Criteria: Myriad Autosomal Dominant, Autosomal Recessive and X-Linked Classification Criteria (2023). Collection method: clinical testing. Allele origin: unknown.
Comment: This variant is considered likely benign. This variant is intronic and is not expected to impact mRNA splicing.

Baylor Genetics
Classification: Uncertain significance for Familial cancer of breast. Last evaluated: 2024-02-16. Review status: criteria provided, single submitter. Criteria: ACMG Guidelines, 2015. Collection method: clinical testing. Allele origin: unknown.

NM_000051.4(ATM):c.3077+9A>G

Gene: ATM (ATM serine/threonine kinase; plus strand). Cytogenetic location: 11q22.3.
Variant type: single nucleotide variant.
Coding change: c.3077+9A>G on transcript NM_000051.4 (MANE Select); 9 bases into the intron after coding-DNA position 3077, A replaced by G.
Molecular consequence: intron variant.
Genome position (GRCh38, 1-based): chr11:108,271,415, A>G. VCF-style: chr11-108271415-A-G. GRCh37 (hg19) VCF-style: chr11-108142142-A-G.
Other names: c.3077+9A>G (NM_001351834.2).
Identifiers: ClinVar variation 1987282 (VCV001987282.6), dbSNP rs2135555296, ClinGen allele CA2580083268.
Genomic context (GRCh38, chr11:108,271,415, plus strand): 5'-AGAACACAAGGGATGCTCAAGGACAGTTTCTTACAGTAATTGGAGCATTTTGGTAGGTAC[A>G]GTCTATTTTGTGGTCCTATTTTTCTTTTGCTATCTGTGGATACGAATGCAAGTTTTGTAT-3'